The following is an entry in ClinVar:

ClinVar aggregate classification (germline): Uncertain significance. Review status: criteria provided, multiple submitters, no conflicts (2 of 4 stars). 3 submissions from 3 submitters: Uncertain significance (2). 1 of the submissions does not count toward it. Last evaluated 2026-01-18.

Conditions:
WRN-related disorder. Also called: WRN-related condition.
Werner syndrome (WRN). Identifiers: Orphanet 902, MedGen C0043119, MONDO:0010196, OMIM 277700.

Allele frequency attached by ClinVar (database versions not stated): gnomAD exomes below 0.00001; gnomAD 0.00001.

Submissions (3):

Labcorp Genetics (formerly Invitae), Labcorp
Classification: Uncertain significance for Werner syndrome. Last evaluated: 2026-01-18. Review status: criteria provided, single submitter. Criteria: Invitae Variant Classification Sherloc (09022015). Collection method: clinical testing. Allele origin: germline.
Comment: This sequence change replaces methionine, which is neutral and non-polar, with arginine, which is basic and polar, at codon 1285 of the WRN protein (p.Met1285Arg). This variant is not present in population databases (gnomAD no frequency). This variant has not been reported in the literature in individuals affected with WRN-related conditions. ClinVar contains an entry for this variant (Variation ID: 1425655). An algorithm developed to predict the effect of missense changes on protein structure and function (PolyPhen-2) suggests that this variant is likely to be tolerated. In summary, the available evidence is currently insufficient to determine the role of this variant in disease. Therefore, it has been classified as a Variant of Uncertain Significance.

Fulgent Genetics
Classification: Uncertain significance for Werner syndrome. Last evaluated: 2024-04-08. Review status: criteria provided, single submitter. Criteria: ACMG Guidelines, 2015. Collection method: clinical testing. Allele origin: germline.

PreventionGenetics, part of Exact Sciences
Classification: Uncertain significance for WRN-related condition. Last evaluated: 2024-05-28. Review status: no assertion criteria provided. Collection method: clinical testing. Allele origin: germline. Not counted in ClinVar's aggregate classification.
Comment: The WRN c.3854T>G variant is predicted to result in the amino acid substitution p.Met1285Arg. To our knowledge, this variant has not been reported in the literature or in a large population database, indicating this variant is rare. In ClinVar, this variant is interpreted as uncertain. At this time, the clinical significance of this variant is uncertain due to the absence of conclusive functional and genetic evidence.

NM_000553.6(WRN):c.3854T>G (p.Met1285Arg)

Gene: WRN (WRN RecQ like helicase; plus strand). Cytogenetic location: 8p12.
Variant type: single nucleotide variant.
Coding change: c.3854T>G on transcript NM_000553.6 (MANE Select); coding-DNA position 3854, T replaced by G.
Protein change: p.Met1285Arg; replaces methionine 1285 with arginine.
Molecular consequence: missense variant.
Genome position (GRCh38, 1-based): chr8:31,157,402, T>G. VCF-style: chr8-31157402-T-G. GRCh37 (hg19) VCF-style: chr8-31014918-T-G.
Other names: c.3854T>G (NM_000553.4); short protein forms M1285R.
Identifiers: ClinVar variation 1425655 (VCV001425655.10), dbSNP rs371799306, ClinGen allele CA174913821.